The following is an entry in ClinVar:

NM_002432.3(MNDA):c.1012A>T (p.Ile338Phe)

Gene: MNDA (myeloid cell nuclear differentiation antigen; plus strand). Cytogenetic location: 1q23.1.
Variant type: single nucleotide variant.
Coding change: c.1012A>T on transcript NM_002432.3 (MANE Select); coding-DNA position 1012, A replaced by T.
Protein change: p.Ile338Phe; replaces isoleucine 338 with phenylalanine.
Molecular consequence: missense variant.
Genome position (GRCh38, 1-based): chr1:158,847,752, A>T. VCF-style: chr1-158847752-A-T. GRCh37 (hg19) VCF-style: chr1-158817542-A-T.
Other names: short protein forms I338F.
Identifiers: ClinVar variation 1733240 (VCV001733240.2), dbSNP rs1396221507, ClinGen allele CA343043730.

ClinVar aggregate classification (germline): Uncertain significance (1 of 4 stars; one submission).

Allele frequency attached by ClinVar (database versions not stated): TOPMed below 0.00001; gnomAD 0.00001.
gnomAD v4.1: 1 of 1,612,754 alleles (0.000062%); highest among the groups gnomAD compares: Non-Finnish European, 0.000085%; no homozygotes.

Submission:

Ambry Genetics
Classification: Uncertain significance. Last evaluated: 2022-01-27. Review status: criteria provided, single submitter. Criteria: Ambry Variant Classification Scheme 2023. Collection method: clinical testing. Allele origin: germline.
Comment: The p.I338F variant (also known as c.1012A>T), located in coding exon 5 of the MNDA gene, results from an A to T substitution at nucleotide position 1012. The isoleucine at codon 338 is replaced by phenylalanine, an amino acid with highly similar properties. This amino acid position is conserved. In addition, this alteration is predicted to be tolerated by in silico analysis. Since supporting evidence is limited at this time, the clinical significance of this alteration remains unclear.